The following is an entry in ClinVar:

ClinVar aggregate classification (germline): Uncertain significance (1 of 4 stars; one submission).

Submission:

Ambry Genetics
Classification: Uncertain significance. Last evaluated: 2025-05-05. Review status: criteria provided, single submitter. Criteria: Ambry Variant Classification Scheme 2023. Collection method: clinical testing. Allele origin: germline.
Comment: The p.P1225L variant (also known as c.3674C>T), located in coding exon 15 of the WNK2 gene, results from a C to T substitution at nucleotide position 3674. The proline at codon 1225 is replaced by leucine, an amino acid with similar properties. This amino acid position is conserved. In addition, this alteration is predicted to be deleterious by in silico analysis. Based on the available evidence, the clinical significance of this variant remains unclear.

NM_006648.4(WNK2):c.3674C>T (p.Pro1225Leu)

Gene: WNK2 (WNK lysine deficient protein kinase 2; plus strand). Cytogenetic location: 9q22.31.
Variant type: single nucleotide variant.
Coding change: c.3674C>T on transcript NM_006648.4 (MANE Select); coding-DNA position 3674, C replaced by T.
Protein change: p.Pro1225Leu; replaces proline 1225 with leucine.
Molecular consequence: missense variant.
Genome position (GRCh38, 1-based): chr9:93,264,011, C>T. VCF-style: chr9-93264011-C-T. GRCh37 (hg19) VCF-style: chr9-96026293-C-T.
Other names: c.3674C>T, p.Pro1225Leu (NM_001282394.3); short protein forms P1225L.
Identifiers: ClinVar variation 3981994 (VCV003981994.1).